The following is an entry in ClinVar:

NM_138694.4(PKHD1):c.8755C>T (p.His2919Tyr)

Gene: PKHD1 (PKHD1 ciliary IPT domain containing fibrocystin/polyductin; minus strand). Cytogenetic location: 6p12.3.
Variant type: single nucleotide variant.
Coding change: c.8755C>T on transcript NM_138694.4 (MANE Select); coding-DNA position 8755, C replaced by T.
Protein change: p.His2919Tyr; replaces histidine 2919 with tyrosine.
Molecular consequence: missense variant.
Genome position (GRCh38, 1-based): chr6:51,754,826, G>A on the plus strand (C>T on the coding strand, the complement: PKHD1 is on the minus strand). VCF-style: chr6-51754826-G-A. GRCh37 (hg19) VCF-style: chr6-51619624-G-A.
Other names: c.8755C>T, p.His2919Tyr (NM_170724.3); c.8755C>T (NM_138694.3); short protein forms H2919Y.
Identifiers: ClinVar variation 283340 (VCV000283340.6), dbSNP rs886042601, ClinGen allele CA10604464.

ClinVar aggregate classification (germline): Uncertain significance. Review status: criteria provided, multiple submitters, no conflicts (2 of 4 stars). 2 submissions from 2 submitters: Uncertain significance (2). Last evaluated 2025-08-28.

Conditions:
PKHD1-related disorder. Also called: PKHD1-related condition.

Allele frequency attached by ClinVar (database versions not stated): gnomAD exomes below 0.00001.
gnomAD v4.1: 4 of 1,613,368 alleles (0.00025%); highest among the groups gnomAD compares: Non-Finnish European, 0.00034%; no homozygotes.

Submissions (2):

PreventionGenetics, part of Exact Sciences
Classification: Uncertain significance for PKHD1-related condition. Last evaluated: 2025-08-28. Review status: criteria provided, single submitter. Criteria: ACMG Guidelines, 2015. Collection method: clinical testing. Allele origin: germline.
Comment: The PKHD1 c.8755C>T variant is predicted to result in the amino acid substitution p.His2919Tyr. To our knowledge, this variant has not been reported in the literature or in a large population database (gnomAD), indicating this variant is rare. At this time, the clinical significance of this variant is uncertain due to the absence of conclusive functional and genetic evidence.

Eurofins Ntd Llc (ga)
Classification: Uncertain significance. Last evaluated: 2015-09-16. Review status: criteria provided, single submitter. Criteria: EGL Classification Definitions 2015. Collection method: clinical testing. Allele origin: germline. Observed: 1 variant allele, 1 heterozygote.